The following is an entry in ClinVar:

ClinVar aggregate classification (germline): Likely benign. Review status: criteria provided, multiple submitters, no conflicts (2 of 4 stars). 2 submissions from 2 submitters: Likely benign (2). Last evaluated 2025-11-17.

Conditions:
FDXR-related disorder. Also called: FDXR-related condition; FDXR-related disorders.

gnomAD v4.1: 34 of 1,613,990 alleles (0.0021%); highest among the groups gnomAD compares: Admixed American, 0.057%; no homozygotes.

Submissions (2):

PreventionGenetics, part of Exact Sciences
Classification: Likely benign for FDXR-related condition. Last evaluated: 2025-11-17. Review status: criteria provided, single submitter. Criteria: ACMG Guidelines, 2015. Collection method: clinical testing. Allele origin: germline.
Comment: This variant is classified as likely benign based on ACMG/AMP sequence variant interpretation guidelines (Richards et al. 2015 PMID: 25741868, with internal and published modifications).

Blueprint Genetics
Classification: Likely benign. Last evaluated: 2022-11-15. Review status: criteria provided, single submitter. Criteria: ACMG Guidelines, 2015. Collection method: clinical testing. Allele origin: germline.

NM_024417.5(FDXR):c.753G>T (p.Arg251=)

Gene: FDXR (ferredoxin reductase; minus strand). Cytogenetic location: 17q25.1.
Variant type: single nucleotide variant.
Coding change: c.753G>T on transcript NM_024417.5 (MANE Select); coding-DNA position 753, G replaced by T.
Protein change: p.Arg251=; no amino-acid change (arginine 251 retained).
Molecular consequence: synonymous variant. On other transcripts: non-coding transcript variant (1).
Genome position (GRCh38, 1-based): chr17:74,864,529, C>A on the plus strand (G>T on the coding strand, the complement: FDXR is on the minus strand). VCF-style: chr17-74864529-C-A. GRCh37 (hg19) VCF-style: chr17-72860651-C-A.
Other names: c.882G>T, p.Arg294= (NM_001258012.4); c.846G>T, p.Arg282= (NM_001258013.4); c.729G>T, p.Arg243= (NM_001258014.4); c.753G>T (NM_024417.4); c.633G>T, p.Arg211= (NM_001258015.3); c.597G>T, p.Arg199= (NM_001258016.3); c.771G>T, p.Arg257= (NM_004110.6).
Identifiers: ClinVar variation 4936896 (VCV004936896.2).